The following is an entry in ClinVar:

ClinVar aggregate classification (germline): Likely benign. Review status: criteria provided, multiple submitters, no conflicts (2 of 4 stars). 2 submissions from 2 submitters: Likely benign (2). Last evaluated 2025-04-07.

Conditions:
Multiple endocrine neoplasia, type 1 (MEN1). Also called: MEA I; MEN I; WERMER SYNDROME; Endocrine adenomatosis multiple; MEN 1. Identifiers: Orphanet 652, MedGen C0025267, MeSH D018761, MONDO:0007540, OMIM 131100.

Submissions (2):

Labcorp Genetics (formerly Invitae), Labcorp
Classification: Likely benign for Multiple endocrine neoplasia, type 1. Last evaluated: 2025-04-07. Review status: criteria provided, single submitter. Criteria: Invitae Variant Classification Sherloc (09022015). Collection method: clinical testing. Allele origin: germline.

Myriad Genetics, Inc.
Classification: Likely benign for Multiple endocrine neoplasia, type 1. Last evaluated: 2024-11-04. Review status: criteria provided, single submitter. Criteria: Myriad Autosomal Dominant, Autosomal Recessive and X-Linked Classification Criteria (2023). Collection method: clinical testing. Allele origin: unknown.
Comment: This variant is considered likely benign. This variant is intronic and is not expected to impact mRNA splicing.

NM_001370259.2(MEN1):c.1049+9C>A

Gene: MEN1 (menin 1; minus strand). Cytogenetic location: 11q13.1.
Variant type: single nucleotide variant.
Coding change: c.1049+9C>A on transcript NM_001370259.2 (MANE Select); 9 bases into the intron after coding-DNA position 1049, C replaced by A.
Molecular consequence: intron variant.
Genome position (GRCh38, 1-based): chr11:64,806,223, G>T on the plus strand (C>A on the coding strand, the complement: MEN1 is on the minus strand). VCF-style: chr11-64806223-G-T. GRCh37 (hg19) VCF-style: chr11-64573695-G-T.
Other names: c.1064+9C>A (NM_130804.3, NM_130803.3, NM_000244.4 and 3 more transcripts); c.1049+9C>A (NM_130799.3, NM_001370260.2, NM_001370251.2 and 1 more transcripts); c.944+9C>A (NM_001370263.2, NM_001370262.2).
Identifiers: ClinVar variation 412575 (VCV000412575.12), dbSNP rs200517349, ClinGen allele CA16613615.
Genomic context (GRCh38, chr11:64,806,223, plus strand): 5'-CGAGGGTGGTTGGAAACTGATGGAGGGGAAGAAAGGACAGGCTGCAGGCCCTAGTAGGGG[G>T]ATCCTCACTCCTGGATGACAGTGGCCGTGTCCGCCCAGGCCTGCAGGGCTTCCCGCACAT-3'